The following is an entry in ClinVar:

ClinVar aggregate classification (germline): Uncertain significance. Review status: criteria provided, multiple submitters, no conflicts (2 of 4 stars). 3 submissions from 3 submitters: Uncertain significance (3). Last evaluated 2023-12-04.

Conditions:
Hereditary cancer-predisposing syndrome. Also called: Neoplastic Syndromes, Hereditary; Tumor predisposition; Hereditary neoplastic syndrome; Hereditary Cancer Syndrome. Identifiers: Orphanet 140162, MedGen C0027672, MeSH D009386, MONDO:0015356.
BAP1-related tumor predisposition syndrome (TPDS1). Also called: Tumor susceptibility linked to germline BAP1 mutations; BAP1 tumor predisposition syndrome; TUMOR PREDISPOSITION SYNDROME 1; COMMON Syndrome. Identifiers: Orphanet 289539, MedGen C3280492, MONDO:0013692, OMIM 614327.

Allele frequency attached by ClinVar (database versions not stated): gnomAD exomes below 0.00001.

Submissions (3):

Color Diagnostics, LLC DBA Color Health
Classification: Uncertain significance for Hereditary cancer-predisposing syndrome. Last evaluated: 2023-12-04. Review status: criteria provided, single submitter. Criteria: ACMG Guidelines, 2015. Collection method: clinical testing. Allele origin: germline.
Comment: This missense variant replaces proline with histidine at codon 572 of the BAP1 protein. Computational prediction suggests that this variant may not impact protein structure and function (internally defined REVEL score threshold <= 0.5, PMID: 27666373). To our knowledge, functional studies have not been reported for this variant. This variant has not been reported in individuals affected with BAP1-related disorders in the literature. This variant has been identified in 1/250560 chromosomes in the general population by the Genome Aggregation Database (gnomAD). The available evidence is insufficient to determine the role of this variant in disease conclusively. Therefore, this variant is classified as a Variant of Uncertain Significance.

Labcorp Genetics (formerly Invitae), Labcorp
Classification: Uncertain significance for BAP1-related tumor predisposition syndrome. Last evaluated: 2023-08-02. Review status: criteria provided, single submitter. Criteria: Invitae Variant Classification Sherloc (09022015). Collection method: clinical testing. Allele origin: germline.
Comment: Advanced modeling of protein sequence and biophysical properties (such as structural, functional, and spatial information, amino acid conservation, physicochemical variation, residue mobility, and thermodynamic stability) performed at Invitae indicates that this missense variant is not expected to disrupt BAP1 protein function. In summary, the available evidence is currently insufficient to determine the role of this variant in disease. Therefore, it has been classified as a Variant of Uncertain Significance. ClinVar contains an entry for this variant (Variation ID: 628862). This sequence change replaces proline, which is neutral and non-polar, with histidine, which is basic and polar, at codon 572 of the BAP1 protein (p.Pro572His). This variant is not present in population databases (gnomAD no frequency). This variant has not been reported in the literature in individuals affected with BAP1-related conditions.

Ambry Genetics
Classification: Uncertain significance for Hereditary cancer-predisposing syndrome. Last evaluated: 2022-04-10. Review status: criteria provided, single submitter. Criteria: Ambry Variant Classification Scheme 2023. Collection method: clinical testing. Allele origin: germline.
Comment: The p.P572H variant (also known as c.1715C>A), located in coding exon 13 of the BAP1 gene, results from a C to A substitution at nucleotide position 1715. The proline at codon 572 is replaced by histidine, an amino acid with similar properties. This amino acid position is conserved. In addition, this alteration is predicted to be tolerated by in silico analysis. Since supporting evidence is limited at this time, the clinical significance of this alteration remains unclear.

NM_004656.4(BAP1):c.1715C>A (p.Pro572His)

Gene: BAP1 (BRCA1 associated deubiquitinase 1; minus strand). Cytogenetic location: 3p21.1.
Variant type: single nucleotide variant.
Coding change: c.1715C>A on transcript NM_004656.4 (MANE Select); coding-DNA position 1715, C replaced by A.
Protein change: p.Pro572His; replaces proline 572 with histidine.
Molecular consequence: missense variant.
Genome position (GRCh38, 1-based): chr3:52,403,430, G>T on the plus strand (C>A on the coding strand, the complement: BAP1 is on the minus strand). VCF-style: chr3-52403430-G-T. GRCh37 (hg19) VCF-style: chr3-52437446-G-T.
Other names: short protein forms P572H.
Identifiers: ClinVar variation 628862 (VCV000628862.12), dbSNP rs1553644798, ClinGen allele CA353099596.